The following is an entry in ClinVar:

NM_001378120.1(MBD5):c.4991C>G (p.Thr1664Arg)

Gene: MBD5 (methyl-CpG binding domain protein 5; plus strand). Cytogenetic location: 2q23.1.
Variant type: single nucleotide variant.
Coding change: c.4991C>G on transcript NM_001378120.1 (MANE Select); coding-DNA position 4991, C replaced by G.
Protein change: p.Thr1664Arg; replaces threonine 1664 with arginine.
Molecular consequence: missense variant.
Genome position (GRCh38, 1-based): chr2:148,502,464, C>G. VCF-style: chr2-148502464-C-G. GRCh37 (hg19) VCF-style: chr2-149260033-C-G.
Other names: c.4292C>G, p.Thr1431Arg (NM_018328.5); short protein forms T1431R, T1664R.
Identifiers: ClinVar variation 2850737 (VCV002850737.3), dbSNP rs762642814, ClinGen allele CA348859027.

ClinVar aggregate classification (germline): Uncertain significance (1 of 4 stars; one submission).

Conditions:
Intellectual developmental disorder, autosomal dominant 1. Also called: MBD5 Haploinsufficiency; Intellectual disability, autosomal dominant 1. Identifiers: Orphanet 228402, MedGen C1969562, MONDO:0007974, OMIM 156200.

Allele frequency attached by ClinVar (database versions not stated): gnomAD exomes below 0.00001.
gnomAD v4.1: 1 of 1,614,172 alleles (0.000062%); highest among the groups gnomAD compares: South Asian, 0.0011%; no homozygotes.

Submission:

Labcorp Genetics (formerly Invitae), Labcorp
Classification: Uncertain significance for Intellectual developmental disorder, autosomal dominant 1. Last evaluated: 2023-03-29. Review status: criteria provided, single submitter. Criteria: Invitae Variant Classification Sherloc (09022015). Collection method: clinical testing. Allele origin: germline.
Comment: In summary, the available evidence is currently insufficient to determine the role of this variant in disease. Therefore, it has been classified as a Variant of Uncertain Significance. Experimental studies and prediction algorithms are not available or were not evaluated, and the functional significance of this variant is currently unknown. This variant has not been reported in the literature in individuals affected with MBD5-related conditions. This variant is not present in population databases (gnomAD no frequency). This sequence change replaces threonine, which is neutral and polar, with arginine, which is basic and polar, at codon 1431 of the MBD5 protein (p.Thr1431Arg).